The following is an entry in ClinVar:

NM_022788.5(P2RY12):c.989A>G (p.Glu330Gly)

Genes: MED12L (mediator complex subunit 12L; plus strand), P2RY12 (purinergic receptor P2Y12; minus strand). Cytogenetic location: 3q25.1.
Variant type: single nucleotide variant.
Coding change: c.989A>G on transcript NM_022788.5 (MANE Select); coding-DNA position 989, A replaced by G.
Protein change: p.Glu330Gly; replaces glutamic acid 330 with glycine.
Molecular consequence: missense variant. On other transcripts: intron variant (2).
Genome position (GRCh38, 1-based): chr3:151,337,857, T>C on the plus strand (A>G on the coding strand, the complement: P2RY12 is on the minus strand). VCF-style: chr3-151337857-T-C. GRCh37 (hg19) VCF-style: chr3-151055645-T-C.
Other names: p.Glu330Gly; c.989A>G, p.Glu330Gly (NM_176876.3); c.2251-12202T>C (NM_001393769.1); c.2146-12202T>C (NM_053002.6); short protein forms E330G.
Identifiers: ClinVar variation 775916 (VCV000775916.13), dbSNP rs16846673, ClinGen allele CA2667766.

ClinVar aggregate classification (germline): Benign. Review status: criteria provided, multiple submitters, no conflicts (2 of 4 stars). 4 submissions from 4 submitters: Benign (3). 1 of the submissions does not count toward it. Last evaluated 2026-02-01.

Conditions:
P2RY12-related disorder. Also called: P2RY12-related condition.

Allele frequency attached by ClinVar (database versions not stated): gnomAD exomes 0.00215 and 0.00581; ExAC 0.00716; gnomAD 0.02208 and 0.02365; 1000 Genomes Project 0.02356; ESP Exome Variant Server 0.02414; TOPMed 0.02526; 1000 Genomes Project 30x 0.02623.
gnomAD v4.1: 6,623 of 1,614,130 alleles (0.41%); highest among the groups gnomAD compares: African/African-American, 8%; 230 homozygotes.

Submissions (4):

Labcorp Genetics (formerly Invitae), Labcorp
Classification: Benign. Last evaluated: 2026-02-01. Review status: criteria provided, single submitter. Criteria: Invitae Variant Classification Sherloc (09022015). Collection method: clinical testing. Allele origin: germline.

Mayo Clinic Laboratories, Mayo Clinic
Classification: Benign. Last evaluated: 2024-02-04. Review status: criteria provided, single submitter. Criteria: ACMG Guidelines, 2015. Collection method: clinical testing. Allele origin: germline. Observed: 13 variant alleles.

Breakthrough Genomics
Classification: Benign. Review status: criteria provided, single submitter. Criteria: ACMG Guidelines, 2015. Collection method: not provided. Allele origin: germline. Inheritance: Autosomal recessive inheritance. Affected: yes.

PreventionGenetics, part of Exact Sciences
Classification: Benign for P2RY12-related condition. Last evaluated: 2019-03-25. Review status: no assertion criteria provided. Collection method: clinical testing. Allele origin: germline. Not counted in ClinVar's aggregate classification.
Comment: This variant is classified as benign based on ACMG/AMP sequence variant interpretation guidelines (Richards et al. 2015 PMID: 25741868, with internal and published modifications).